The following is an entry in ClinVar:

ClinVar aggregate classification (germline): Conflicting classifications of pathogenicity. Review status: criteria provided, conflicting classifications (1 of 4 stars). 3 submissions from 3 submitters: Uncertain significance (1); Likely benign (1). 1 of the submissions does not count toward it. Last evaluated 2025-11-06.

Conditions:
MMADHC-related disorder. Also called: MMADHC-related condition.
Methylmalonic aciduria and homocystinuria type cblD (MAHCD). Also called: METHYLMALONIC ACIDEMIA, cblH TYPE; Methylmalonic aciduria with homocystinuria cblD type. Identifiers: Orphanet 622, Orphanet 79283, MedGen C1848552, MONDO:0010185, OMIM 277410.

Allele frequency attached by ClinVar (database versions not stated): ExAC 0.00005; gnomAD exomes 0.00005 and 0.00011; gnomAD 0.00007 and 0.00008; TOPMed 0.00007.
gnomAD v4.1: 169 of 1,598,328 alleles (0.011%); highest among the groups gnomAD compares: Non-Finnish European, 0.013%; no homozygotes.

Submissions (3):

Labcorp Genetics (formerly Invitae), Labcorp
Classification: Likely benign for Methylmalonic aciduria and homocystinuria type cblD. Last evaluated: 2025-11-06. Review status: criteria provided, single submitter. Criteria: Invitae Variant Classification Sherloc (09022015). Collection method: clinical testing. Allele origin: germline.

Eurofins Ntd Llc (ga)
Classification: Uncertain significance. Last evaluated: 2015-05-27. Review status: criteria provided, single submitter. Criteria: EGL Classification Definitions 2015. Collection method: clinical testing. Allele origin: germline. Observed: 1 variant allele, 1 heterozygote.

PreventionGenetics, part of Exact Sciences
Classification: Likely benign for MMADHC-related condition. Last evaluated: 2021-04-16. Review status: no assertion criteria provided. Collection method: clinical testing. Allele origin: germline. Not counted in ClinVar's aggregate classification.
Comment: This variant is classified as likely benign based on ACMG/AMP sequence variant interpretation guidelines (Richards et al. 2015 PMID: 25741868, with internal and published modifications).

NM_015702.3(MMADHC):c.600C>T (p.Leu200=)

Gene: MMADHC (metabolism of cobalamin associated D; minus strand). Cytogenetic location: 2q23.2.
Variant type: single nucleotide variant.
Coding change: c.600C>T on transcript NM_015702.3 (MANE Select); coding-DNA position 600, C replaced by T.
Protein change: p.Leu200=; no amino-acid change (leucine 200 retained).
Molecular consequence: synonymous variant.
Genome position (GRCh38, 1-based): chr2:149,575,720, G>A on the plus strand (C>T on the coding strand, the complement: MMADHC is on the minus strand). VCF-style: chr2-149575720-G-A. GRCh37 (hg19) VCF-style: chr2-150432234-G-A.
Other names: c.600C>T (NM_015702.2).
Identifiers: ClinVar variation 198221 (VCV000198221.15), dbSNP rs754142876, ClinGen allele CA246759.